The following is an entry in ClinVar:

NM_001366385.1(CARD14):c.2683A>G (p.Met895Val)

Genes: SGSH (N-sulfoglucosamine sulfohydrolase; minus strand), CARD14 (caspase recruitment domain family member 14; plus strand), LOC126862662 (MED14-independent group 3 enhancer GRCh37_chr17:78178385-78179584; plus strand). Cytogenetic location: 17q25.3.
Variant type: single nucleotide variant.
Coding change: c.2683A>G on transcript NM_001366385.1 (MANE Select); coding-DNA position 2683, A replaced by G.
Protein change: p.Met895Val; replaces methionine 895 with valine.
Molecular consequence: missense variant. On other transcripts: non-coding transcript variant (1).
Genome position (GRCh38, 1-based): chr17:80,205,644, A>G. VCF-style: chr17-80205644-A-G. GRCh37 (hg19) VCF-style: chr17-78179443-A-G.
Other names: c.2683A>G, p.Met895Val (NM_024110.4); short protein forms M895V.
Identifiers: ClinVar variation 2069978 (VCV002069978.4), dbSNP rs2041259572, ClinGen allele CA401356509.
Genomic context (GRCh38, chr17:80,205,644, plus strand): 5'-CAGGAGGGAGAGGTGTCCGGGGGCCGCTGCTGGGTGACCCGCCATGCTGTGGAGTCCCTC[A>G]TGGAAAAGGTGAGGTCAAGGGCGGGGTGGGCAGGGGAGCTGTCCTGGGAAGGGTTTCAGG-3'
Protein context (NP_001353314.1, residues 885-905): WVTRHAVESL[Met895Val]EKNTHALLDV

ClinVar aggregate classification (germline): Uncertain significance (1 of 4 stars; one submission).

Conditions:
Pityriasis rubra pilaris (PRP). Also called: Pityriasis rubra pilaris--familial type. Identifiers: Orphanet 2897, MedGen C0032027, MONDO:0100017, OMIM 173200, MONDO:0008251.
Psoriasis 2. Identifiers: MedGen C1864497, MONDO:0011269, OMIM 602723.

Allele frequency attached by ClinVar (database versions not stated): gnomAD exomes below 0.00001.
gnomAD v4.1: 1 of 948,242 alleles (0.00011%); highest among the groups gnomAD compares: Middle Eastern, 0.028%; no homozygotes.

Submission:

Labcorp Genetics (formerly Invitae), Labcorp
Classification: Uncertain significance for Pityriasis rubra pilaris; Psoriasis 2. Last evaluated: 2022-01-02. Review status: criteria provided, single submitter. Criteria: Invitae Variant Classification Sherloc (09022015). Collection method: clinical testing. Allele origin: germline.
Comment: In summary, the available evidence is currently insufficient to determine the role of this variant in disease. Therefore, it has been classified as a Variant of Uncertain Significance. This sequence change replaces methionine, which is neutral and non-polar, with valine, which is neutral and non-polar, at codon 895 of the CARD14 protein (p.Met895Val). This variant is not present in population databases (gnomAD no frequency). This variant has not been reported in the literature in individuals affected with CARD14-related conditions. Algorithms developed to predict the effect of missense changes on protein structure and function output the following: SIFT: "Tolerated"; PolyPhen-2: "Benign"; Align-GVGD: "Class C0". The valine amino acid residue is found in multiple mammalian species, which suggests that this missense change does not adversely affect protein function.